The following is an entry in ClinVar:

NM_001164277.2(SLC37A4):c.85A>G (p.Lys29Glu)

Gene: SLC37A4 (solute carrier family 37 member 4; minus strand). Cytogenetic location: 11q23.3.
Variant type: single nucleotide variant.
Coding change: c.85A>G on transcript NM_001164277.2 (MANE Select); coding-DNA position 85, A replaced by G.
Protein change: p.Lys29Glu; replaces lysine 29 with glutamic acid.
Molecular consequence: missense variant. On other transcripts: intron variant (1).
Genome position (GRCh38, 1-based): chr11:119,029,285, T>C on the plus strand (A>G on the coding strand, the complement: SLC37A4 is on the minus strand). VCF-style: chr11-119029285-T-C. GRCh37 (hg19) VCF-style: chr11-118899995-T-C.
Other names: c.85A>G, p.Lys29Glu (NM_001164278.2, NM_001164280.2, NM_001467.6); c.-172+107A>G (NM_001164279.2); short protein forms K29E.
Identifiers: ClinVar variation 1035936 (VCV001035936.9), dbSNP rs1943675245, ClinGen allele CA382908490.
Genomic context (GRCh38, chr11:119,029,285, plus strand): 5'-AATCATCCTTGTCCAAAGGGATCTCTTCCACCAATGATGGCATGACAAAGGAGAAGGTCT[T>C]GCGATTGAAGTAATACAGGCTGTAGCCCCCAAACATGGCTGAGAAGATCACAGTGCGATA-3'
Protein context (NP_001157749.1, residues 19-39): GGYSLYYFNR[Lys29Glu]TFSFVMPSLV

ClinVar aggregate classification (germline): Uncertain significance. Review status: criteria provided, single submitter (1 of 4 stars). 2 submissions from 2 submitters: Uncertain significance (1). 1 of the submissions does not count toward it. Last evaluated 2025-07-20.

Conditions:
Glucose-6-phosphate transport defect (GSD1B). Also called: GSD Ib; Glycogen Storage Disease Type Ib. Identifiers: Orphanet 364, Orphanet 79259, MedGen C0268146, MONDO:0009288, OMIM 232220.

Submissions (2):

Labcorp Genetics (formerly Invitae), Labcorp
Classification: Uncertain significance for Glucose-6-phosphate transport defect. Last evaluated: 2025-07-20. Review status: criteria provided, single submitter. Criteria: Invitae Variant Classification Sherloc (09022015). Collection method: clinical testing. Allele origin: germline.
Comment: This sequence change replaces lysine, which is basic and polar, with glutamic acid, which is acidic and polar, at codon 29 of the SLC37A4 protein (p.Lys29Glu). This variant is not present in population databases (gnomAD no frequency). This missense change has been observed in individual(s) with clinical features of glycogen storage disease (internal data). ClinVar contains an entry for this variant (Variation ID: 1035936). Invitae Evidence Modeling of protein sequence and biophysical properties (such as structural, functional, and spatial information, amino acid conservation, physicochemical variation, residue mobility, and thermodynamic stability) indicates that this missense variant is expected to disrupt SLC37A4 protein function with a positive predictive value of 80%. In summary, the available evidence is currently insufficient to determine the role of this variant in disease. Therefore, it has been classified as a Variant of Uncertain Significance.

Natera, Inc.
Classification: Uncertain significance for Glycogen storage disease type Ib. Last evaluated: 2021-01-23. Review status: no assertion criteria provided. Collection method: clinical testing. Allele origin: germline. Not counted in ClinVar's aggregate classification.